The following is an entry in ClinVar:

ClinVar aggregate classification (germline): Pathogenic (1 of 4 stars; one submission).

Conditions:
Dystonia 5 (DRD). Also called: DYT-GCH1; DYSTONIA, PROGRESSIVE, WITH DIURNAL VARIATION; DYSTONIA-PARKINSONISM WITH DIURNAL FLUCTUATION; GTP Cyclohydrolase 1-Deficient Dopa-Responsive Dystonia; Dystonia, DOPA-responsive, with or without hyperphenylalaninemia. Identifiers: Orphanet 98808, MedGen C1851920, MONDO:0007495, OMIM 128230.
GTP cyclohydrolase I deficiency. Identifiers: MedGen C0268467, MONDO:0100184.

Submission:

Labcorp Genetics (formerly Invitae), Labcorp
Classification: Pathogenic for GTP cyclohydrolase I deficiency; Dystonia 5. Last evaluated: 2021-01-08. Review status: criteria provided, single submitter. Criteria: Invitae Variant Classification Sherloc (09022015). Collection method: clinical testing. Allele origin: germline.
Comment: This variant is not present in population databases (ExAC no frequency). For these reasons, this variant has been classified as Pathogenic. This variant has not been reported in the literature in individuals with GCH1-related conditions. This sequence change creates a premature translational stop signal (p.Val132Glufs*10) in the GCH1 gene. It is expected to result in an absent or disrupted protein product. Loss-of-function variants in GCH1 are known to be pathogenic (PMID: 9667588, 19332422, 19491146, 25557619).

Literature cited by the submitters: PubMed 9667588; PubMed 19332422; PubMed 19491146; PubMed 25557619.

NM_000161.3(GCH1):c.395_396del (p.Val132fs)

Gene: GCH1 (GTP cyclohydrolase 1; minus strand). Cytogenetic location: 14q22.2.
Variant type: Microsatellite.
Coding change: c.395_396del on transcript NM_000161.3 (MANE Select); coding-DNA positions 395 to 396, 2 bases deleted (TG; older notation c.395_396delTG).
Protein change: p.Val132fs; shifts the reading frame from valine 132.
Molecular consequence: frameshift variant.
Genome position (GRCh38, 1-based): chr14:54,865,384-54,865,385, CA deleted on the plus strand (TG on the coding strand, the reverse complement: GCH1 is on the minus strand); deleting any 2 consecutive bases within chr14:54,865,384-54,865,387 gives the same sequence; the c. name uses the placement nearest the transcript's 3' end. VCF-style (leftmost placement, unchanged base first): chr14-54865383-TCA-T. GRCh37 (hg19) VCF-style: chr14-55332101-TCA-T.
Other names: c.395_396del, p.Val132fs (NM_001024024.2, NM_001024070.2, NM_001024071.2); short protein forms V132fs.
Identifiers: ClinVar variation 1457490 (VCV001457490.6), dbSNP rs2140074097, ClinGen allele CA2580613689.